The following is an entry in ClinVar:

NM_003922.4(HERC1):c.416G>A (p.Gly139Asp)

Gene: HERC1 (HECT and RLD domain containing E3 ubiquitin protein ligase family member 1; minus strand). Cytogenetic location: 15q22.31.
Variant type: single nucleotide variant.
Coding change: c.416G>A on transcript NM_003922.4 (MANE Select); coding-DNA position 416, G replaced by A.
Protein change: p.Gly139Asp; replaces glycine 139 with aspartic acid.
Molecular consequence: missense variant.
Genome position (GRCh38, 1-based): chr15:63,775,208, C>T on the plus strand (G>A on the coding strand, the complement: HERC1 is on the minus strand). VCF-style: chr15-63775208-C-T. GRCh37 (hg19) VCF-style: chr15-64067407-C-T.
Other names: short protein forms G139D.
Identifiers: ClinVar variation 1952086 (VCV001952086.5), dbSNP rs1338795024, ClinGen allele CA392806586.

ClinVar aggregate classification (germline): Uncertain significance (1 of 4 stars; one submission).

Allele frequency attached by ClinVar (database versions not stated): gnomAD exomes below 0.00001; TOPMed 0.00001.

Submission:

Labcorp Genetics (formerly Invitae), Labcorp
Classification: Uncertain significance. Last evaluated: 2023-07-03. Review status: criteria provided, single submitter. Criteria: Invitae Variant Classification Sherloc (09022015). Collection method: clinical testing. Allele origin: germline.
Comment: Advanced modeling of protein sequence and biophysical properties (such as structural, functional, and spatial information, amino acid conservation, physicochemical variation, residue mobility, and thermodynamic stability) performed at Invitae indicates that this missense variant is not expected to disrupt HERC1 protein function. ClinVar contains an entry for this variant (Variation ID: 1952086). This variant has not been reported in the literature in individuals affected with HERC1-related conditions. This variant is present in population databases (no rsID available, gnomAD 0.003%). This sequence change replaces glycine, which is neutral and non-polar, with aspartic acid, which is acidic and polar, at codon 139 of the HERC1 protein (p.Gly139Asp). In summary, the available evidence is currently insufficient to determine the role of this variant in disease. Therefore, it has been classified as a Variant of Uncertain Significance.